The following is an entry in ClinVar:

NM_001365276.2(TNXB):c.2503del (p.Thr835fs)

Gene: TNXB (tenascin XB; minus strand). Cytogenetic location: 6p21.33.
Variant type: Deletion.
Coding change: c.2503del on transcript NM_001365276.2 (MANE Select); coding-DNA position 2503, one base deleted (A; older notation c.2503delA).
Protein change: p.Thr835fs; shifts the reading frame from threonine 835.
Molecular consequence: frameshift variant.
Genome position (GRCh38, 1-based): chr6:32,089,235, T deleted on the plus strand (A on the coding strand, the reverse complement: TNXB is on the minus strand). VCF-style (leftmost placement, unchanged base first): chr6-32089234-GT-G. GRCh37 (hg19) VCF-style: chr6-32057011-GT-G.
Other names: c.2503del, p.Thr835fs (NM_001428335.1, NM_019105.8); short protein forms T835fs.
Identifiers: ClinVar variation 5016171 (VCV005016171.1).
Genomic context (GRCh38, chr6:32,089,234, plus strand): 5'-AGTCCAGATCTCCACTCAGGACACCCCTCCCCACAGCCCCAGCTCTCACTGGTGGTGATG[GT>G]CTTGGAGGCAGGAAGGCCCCAGCTGGTCCCTCGAAGGGCTCGGACAGTGACCTGGTACTC-3'

ClinVar aggregate classification (germline): Pathogenic (1 of 4 stars; one submission).

Conditions:
Ehlers-Danlos syndrome due to tenascin-X deficiency (EDSCLL1). Also called: EDS DUE TO TNX DEFICIENCY; TNX DEFICIENCY; Ehlers-Danlos syndrome, classic-like, 1; EHLERS-DANLOS SYNDROME, CLASSIC-LIKE; TNXB-Related Classical-Like Ehlers-Danlos Syndrome. Identifiers: Orphanet 230839, MedGen C1848029, MONDO:0011670, OMIM 606408.

Submission:

Myriad Genetics, Inc.
Classification: Pathogenic for Ehlers-Danlos syndrome due to tenascin-X deficiency. Last evaluated: 2026-07-28. Review status: criteria provided, single submitter. Criteria: Myriad Autosomal Dominant, Autosomal Recessive and X-Linked Classification Criteria (2023). Collection method: clinical testing. Allele origin: unknown.
Comment: NM_019105.6(TNXB):c.2503delA(T835Pfs*5) is expected to be pathogenic in the context of classical-like Ehlers-Danlos syndrome, TNXB-related. This variant is predicted to lead to an abnormal or absent protein product due to the creation of a premature termination codon in TNXB, a gene where loss-of-function variants are known to be pathogenic. Please note: this variant was assessed in the context of healthy population screening.